The following is an entry in ClinVar:

NM_001042492.3(NF1):c.3611G>A (p.Arg1204Gln)

Gene: NF1 (neurofibromin 1; plus strand). Cytogenetic location: 17q11.2.
Variant type: single nucleotide variant.
Coding change: c.3611G>A on transcript NM_001042492.3 (MANE Select); coding-DNA position 3611, G replaced by A.
Protein change: p.Arg1204Gln; replaces arginine 1204 with glutamine.
Molecular consequence: missense variant.
Genome position (GRCh38, 1-based): chr17:31,233,116, G>A. VCF-style: chr17-31233116-G-A. GRCh37 (hg19) VCF-style: chr17-29560134-G-A.
Other names: c.3611G>A, p.Arg1204Gln (NM_000267.4); short protein forms R1204Q.
Identifiers: ClinVar variation 823990 (VCV000823990.20), dbSNP rs1057521848, ClinGen allele CA398990298.

ClinVar aggregate classification (germline): Conflicting classifications of pathogenicity. Review status: criteria provided, conflicting classifications (1 of 4 stars). 6 submissions from 6 submitters: Pathogenic (1); Likely pathogenic (1); Uncertain significance (4). Last evaluated 2026-09-25.

Conditions:
Cardiovascular phenotype. Identifiers: MedGen CN230736.
Hereditary cancer-predisposing syndrome. Also called: Tumor predisposition; Hereditary neoplastic syndrome; Neoplastic Syndromes, Hereditary; Hereditary Cancer Syndrome. Identifiers: Orphanet 140162, MedGen C0027672, MeSH D009386, MONDO:0015356.
Neurofibromatosis, type 1 (NF1). Also called: Peripheral type neurofibromatosis; Neurofibromatosis, type I; VON RECKLINGHAUSEN DISEASE; NEUROFIBROMATOSIS, TYPE I, SOMATIC. Identifiers: Orphanet 636, MedGen C0027831, MONDO:0018975, OMIM 162200. Disease mechanism: loss of function.

Allele frequency attached by ClinVar (database versions not stated): gnomAD exomes below 0.00001; TOPMed below 0.00001.
gnomAD v4.1: 1 of 1,614,126 alleles (0.000062%); highest among the groups gnomAD compares: Non-Finnish European, 0.000085%; no homozygotes.

Submissions (6):

GeneDx
Classification: Uncertain significance. Last evaluated: 2026-09-25. Review status: criteria provided, single submitter. Criteria: GeneDx Variant Classification Process June 2021. Collection method: clinical testing. Allele origin: germline.
Comment: Identified in an individual with Noonan syndrome, but it is unknown whether this individual was screened for variants in other genes associated with Noonan syndrome (PMID: 42472986); Identified via genome sequencing in a hospitalized infant with a suspected genetic disorder, but no other phenotypic information was provided (PMID: 37432431); In silico analysis supports that this missense variant has a deleterious effect on protein structure/function; This variant is associated with the following publications: (PMID: 36243179, 42587582, 22807134, 25486365, 30287823, 37432431, 42472986)

MVZ Martinsried, Medicover Genetics
Classification: Likely pathogenic for Neurofibromatosis, type 1. Last evaluated: 2026-06-08. Review status: criteria provided, single submitter. Criteria: ClinGen Variant Curation SOP V3.2 + Classification Guidance July2025. Collection method: clinical testing. Allele origin: unknown. Affected: yes. Observed: 1 heterozygote.

Labcorp Genetics (formerly Invitae), Labcorp
Classification: Pathogenic for Neurofibromatosis, type 1. Last evaluated: 2025-06-16. Review status: criteria provided, single submitter. Criteria: Invitae Variant Classification Sherloc (09022015). Collection method: clinical testing. Allele origin: germline.
Comment: This sequence change replaces arginine, which is basic and polar, with glutamine, which is neutral and polar, at codon 1204 of the NF1 protein (p.Arg1204Gln). This variant is not present in population databases (gnomAD no frequency). This missense change has been observed in individual(s) with clinical features of neurofibromatosis type 1 (internal data). In at least one individual the variant was observed to be de novo. Invitae Evidence Modeling of clinical and family history, age, sex, and reported ancestry of multiple individuals with this NF1 variant has been performed. This variant is expected to be pathogenic with a positive predictive value of at least 99%. This is a validated machine learning model that incorporates the clinical features of 1,785,918 individuals referred to our laboratory for NF1 testing. ClinVar contains an entry for this variant (Variation ID: 823990). Invitae Evidence Modeling of protein sequence and biophysical properties (such as structural, functional, and spatial information, amino acid conservation, physicochemical variation, residue mobility, and thermodynamic stability) indicates that this missense variant is expected to disrupt NF1 protein function with a positive predictive value of 95%. This variant disrupts the p.Arg1204 amino acid residue in NF1. Other variant(s) that disrupt this residue have been determined to be pathogenic (PMID: 10336779, 10607834, 22807134, 26635368, 27322474). This suggests that this residue is clinically significant, and that variants that disrupt this residue are likely to be disease-causing. For these reasons, this variant has been classified as Pathogenic.

Ambry Genetics
Classification: Uncertain significance for Cardiovascular phenotype; Hereditary cancer-predisposing syndrome. Last evaluated: 2024-12-16. Review status: criteria provided, single submitter. Criteria: Ambry Variant Classification Scheme 2023. Collection method: clinical testing. Allele origin: germline.
Comment: The p.R1204Q variant (also known as c.3611G>A), located in coding exon 27 of the NF1 gene, results from a G to A substitution at nucleotide position 3611. The arginine at codon 1204 is replaced by glutamine, an amino acid with highly similar properties. This variant was reported in individual(s) with features consistent with Neurofibromatosis type 1 (external communication; Ambry internal data). This amino acid position is highly conserved in available vertebrate species. In addition, the in silico prediction for this alteration is inconclusive. Based on the available evidence, the clinical significance of this variant remains unclear.

Blueprint Genetics
Classification: Uncertain significance. Last evaluated: 2023-04-06. Review status: criteria provided, single submitter. Criteria: ACMG Guidelines, 2015. Collection method: clinical testing. Allele origin: germline.

Athena Diagnostics
Classification: Uncertain significance. Last evaluated: 2021-03-10. Review status: criteria provided, single submitter. Criteria: Athena Diagnostics Criteria. Collection method: clinical testing. Allele origin: unknown.
Comment: This observation is not an independent occurrence and has been identified in the same individual by RCIGM, the other laboratory participating in the GEMINI study.

Literature cited by the submitters: PubMed 10336779 (cited by Labcorp Genetics (formerly Invitae), Labcorp); PubMed 10607834 (cited by Labcorp Genetics (formerly Invitae), Labcorp); PubMed 22807134 (cited by Labcorp Genetics (formerly Invitae), Labcorp); PubMed 26635368 (cited by Labcorp Genetics (formerly Invitae), Labcorp); PubMed 27322474 (cited by Labcorp Genetics (formerly Invitae), Labcorp).